The following is an entry in ClinVar:

NM_006580.4(CLDN16):c.662C>G (p.Pro221Arg)

Gene: CLDN16 (claudin 16; plus strand). Cytogenetic location: 3q28.
Variant type: single nucleotide variant.
Coding change: c.662C>G on transcript NM_006580.4 (MANE Select); coding-DNA position 662, C replaced by G.
Protein change: p.Pro221Arg; replaces proline 221 with arginine.
Molecular consequence: missense variant.
Genome position (GRCh38, 1-based): chr3:190,409,990, C>G. VCF-style: chr3-190409990-C-G. GRCh37 (hg19) VCF-style: chr3-190127779-C-G.
Other names: c.872C>G (NM_006580.3); c.662C>G, p.Pro221Arg (NM_001378492.1, NM_001378493.1); short protein forms P221R.
Identifiers: ClinVar variation 3589111 (VCV003589111.4).

ClinVar aggregate classification (germline): Uncertain significance. Review status: criteria provided, multiple submitters, no conflicts (2 of 4 stars). 4 submissions from 4 submitters: Uncertain significance (4). Last evaluated 2025-10-07.

Conditions:
CLDN16-related disorder. Also called: CLDN16-related condition.
Primary hypomagnesemia (HOMG3). Also called: HYPOMAGNESEMIA 3, RENAL; HYPOMAGNESEMIA, FAMILIAL, WITH HYPERCALCIURIA AND NEPHROCALCINOSIS; HYPOMAGNESEMIA, ISOLATED RENAL; HYPOMAGNESEMIA, PRIMARY, DUE TO DEFECT IN RENAL TUBULAR TRANSPORT OF MAGNESIUM. Identifiers: Orphanet 31043, MedGen C0268448, MONDO:0009550, OMIM 248250.

gnomAD v4.1: 82 of 1,613,976 alleles (0.0051%); highest among the groups gnomAD compares: Non-Finnish European, 0.0065%; no homozygotes.

Submissions (4):

PreventionGenetics, part of Exact Sciences
Classification: Uncertain significance for CLDN16-related condition. Last evaluated: 2025-10-07. Review status: criteria provided, single submitter. Criteria: ACMG Guidelines, 2015. Collection method: clinical testing. Allele origin: germline.
Comment: The CLDN16 c.872C>G variant is predicted to result in the amino acid substitution p.Pro291Arg. To our knowledge, this variant has not been reported in the literature. This variant is reported in 0.012% of alleles in individuals of European (Non-Finnish) descent in gnomAD. At this time, the clinical significance of this variant is uncertain due to the absence of conclusive functional and genetic evidence.

Rare Kidney Stone Consortium and the Mayo Clinic Hyperoxaluria Center, Mayo Clinic
Classification: Uncertain significance for Primary hypomagnesemia. Last evaluated: 2025-10-03. Review status: criteria provided, single submitter. Criteria: ACMG Guidelines, 2015. Collection method: research. Allele origin: germline. Observed: 1 variant allele.
Comment: ACMG:PM1, PM2, PP2, PP3

GeneDx
Classification: Uncertain significance. Last evaluated: 2025-08-08. Review status: criteria provided, single submitter. Criteria: GeneDx Variant Classification Process June 2021. Collection method: clinical testing. Allele origin: germline. Affected: yes.
Comment: In silico analysis suggests that this missense variant does not alter protein structure/function; Has not been previously published as pathogenic or benign to our knowledge

Fulgent Genetics
Classification: Uncertain significance for Primary hypomagnesemia. Last evaluated: 2024-03-27. Review status: criteria provided, single submitter. Criteria: ACMG Guidelines, 2015. Collection method: clinical testing. Allele origin: germline.

Literature cited by the submitters: PubMed 40794449 (cited by Rare Kidney Stone Consortium and the Mayo Clinic Hyperoxaluria Center, Mayo Clinic).